The following is an entry in ClinVar:

ClinVar aggregate classification (germline): Uncertain significance (1 of 4 stars; one submission).

Conditions:
Peroxisome biogenesis disorder. Identifiers: Orphanet 79189, MedGen C1832200, MONDO:0019234. Disease mechanism: loss of function.

Allele frequency attached by ClinVar (database versions not stated): gnomAD exomes 0.00001; TOPMed 0.00002.
gnomAD v4.1: 7 of 1,614,058 alleles (0.00043%); highest among the groups gnomAD compares: African/African-American, 0.008%; no homozygotes.

Submission:

Labcorp Genetics (formerly Invitae), Labcorp
Classification: Uncertain significance for Peroxisome biogenesis disorder. Last evaluated: 2024-07-15. Review status: criteria provided, single submitter. Criteria: Invitae Variant Classification Sherloc (09022015). Collection method: clinical testing. Allele origin: germline.
Comment: This sequence change replaces glutamic acid, which is acidic and polar, with lysine, which is basic and polar, at codon 380 of the PEX6 protein (p.Glu380Lys). This variant is not present in population databases (gnomAD no frequency). This variant has not been reported in the literature in individuals affected with PEX6-related conditions. ClinVar contains an entry for this variant (Variation ID: 2148857). Advanced modeling of protein sequence and biophysical properties (such as structural, functional, and spatial information, amino acid conservation, physicochemical variation, residue mobility, and thermodynamic stability) performed at Invitae indicates that this missense variant is not expected to disrupt PEX6 protein function with a negative predictive value of 80%. In summary, the available evidence is currently insufficient to determine the role of this variant in disease. Therefore, it has been classified as a Variant of Uncertain Significance.

NM_000287.4(PEX6):c.1138G>A (p.Glu380Lys)

Gene: PEX6 (peroxisomal biogenesis factor 6; minus strand). Cytogenetic location: 6p21.1.
Variant type: single nucleotide variant.
Coding change: c.1138G>A on transcript NM_000287.4 (MANE Select); coding-DNA position 1138, G replaced by A.
Protein change: p.Glu380Lys; replaces glutamic acid 380 with lysine.
Molecular consequence: missense variant. On other transcripts: non-coding transcript variant (1).
Genome position (GRCh38, 1-based): chr6:42,969,980, C>T on the plus strand (G>A on the coding strand, the complement: PEX6 is on the minus strand). VCF-style: chr6-42969980-C-T. GRCh37 (hg19) VCF-style: chr6-42937718-C-T.
Other names: c.874G>A, p.Glu292Lys (NM_001316313.2); short protein forms E292K, E380K.
Identifiers: ClinVar variation 2148857 (VCV002148857.3), dbSNP rs867094266, ClinGen allele CA138227968.
Genomic context (GRCh38, chr6:42,969,980, plus strand): 5'-AGGCACTGGCTGGTCCATCTGGAGCTTCCCCAACTGTTTTCTTCACTTTAAAAAACATTT[C>T]CCGCCACCTGCAGGAAAAAGGCCCAATGAACCCCAGATCCAGAGTCCAAAAACCCCCCTC-3'
Protein context (NP_000278.3, residues 370-390): GSPEKLPRWR[Glu380Lys]MFFKVKKTVG